The following is an entry in ClinVar:

ClinVar aggregate classification (germline): Uncertain significance (1 of 4 stars; one submission).

Conditions:
Cardiomyopathy (CMYO). Also called: Cardiomyopathies. Identifiers: Orphanet 167848, MedGen C0878544, MONDO:0004994, HP:0001638. Inheritance: Various modes of inheritance.

Allele frequency attached by ClinVar (database versions not stated): gnomAD exomes below 0.00001.
gnomAD v4.1: 1 of 1,614,140 alleles (0.000062%); highest among the groups gnomAD compares: Non-Finnish European, 0.000085%; no homozygotes.

Submission:

All of Us Research Program, National Institutes of Health
Classification: Uncertain significance for Cardiomyopathy. Last evaluated: 2023-05-15. Review status: criteria provided, single submitter. Criteria: ACMG Guidelines, 2015. Collection method: clinical testing. Allele origin: germline. Inheritance: Autosomal dominant inheritance. Observed: 2 variant alleles, 2 heterozygotes.
Comment: This missense variant replaces lysine with glutamic acid at codon 255 of the TNNT2 protein. Computational prediction is inconclusive regarding the impact of this variant on protein structure and function (internally defined REVEL score threshold 0.5 < inconclusive < 0.7, PMID: 27666373). To our knowledge, functional studies have not been reported for this variant. This variant has not been reported in individuals affected with TNNT2-related disorders in the literature. This variant has not been identified in the general population by the Genome Aggregation Database (gnomAD). The available evidence is insufficient to determine the role of this variant in disease conclusively. Therefore, this variant is classified as a Variant of Uncertain Significance.

This study involves interpretation of variants in research participants for the purpose of population health screening. Participant phenotype was not available at the time of variant classification. Additional details can be found in publication PMID: 35346344, PMCID: PMC8962531

NM_001276345.2(TNNT2):c.793A>G (p.Lys265Glu)

Gene: TNNT2 (troponin T2, cardiac type; minus strand). Cytogenetic location: 1q32.1.
Variant type: single nucleotide variant.
Coding change: c.793A>G on transcript NM_001276345.2 (MANE Select); coding-DNA position 793, A replaced by G.
Protein change: p.Lys265Glu; replaces lysine 265 with glutamic acid.
Molecular consequence: missense variant.
Genome position (GRCh38, 1-based): chr1:201,361,296, T>C on the plus strand (A>G on the coding strand, the complement: TNNT2 is on the minus strand). VCF-style: chr1-201361296-T-C. GRCh37 (hg19) VCF-style: chr1-201330424-T-C.
Other names: c.784A>G, p.Lys262Glu (NM_000364.4, NM_001406723.1); c.763A>G, p.Lys255Glu (NM_001001430.3, NM_001276347.2, NM_001406724.1); c.754A>G, p.Lys252Glu (NM_001001431.3, NM_001406726.1, NM_001406727.1); c.745A>G, p.Lys249Glu (NM_001001432.3); c.664A>G, p.Lys222Glu (NM_001276346.2); c.760A>G, p.Lys254Glu (NM_001406725.1); c.748A>G, p.Lys250Glu (NM_001406728.1); short protein forms K222E, K249E, K250E, K252E, K254E, K255E, K262E, K265E.
Identifiers: ClinVar variation 3070007 (VCV003070007.1), dbSNP rs2526923137, ClinGen allele CA344202591.